The following is an entry in ClinVar:

NM_001083926.2(ASRGL1):c.855G>A (p.Trp285Ter)

Gene: ASRGL1 (asparaginase and isoaspartyl peptidase 1; plus strand). Cytogenetic location: 11q12.3.
Variant type: single nucleotide variant.
Coding change: c.855G>A on transcript NM_001083926.2 (MANE Select); coding-DNA position 855, G replaced by A.
Protein change: p.Trp285Ter; replaces tryptophan 285 with a stop codon.
Molecular consequence: nonsense.
Genome position (GRCh38, 1-based): chr11:62,392,212, G>A. VCF-style: chr11-62392212-G-A. GRCh37 (hg19) VCF-style: chr11-62159684-G-A.
Other names: c.855G>A, p.Trp285Ter (NM_025080.4); short protein forms W285*.
Identifiers: ClinVar variation 4759884 (VCV004759884.1).
Genomic context (GRCh38, chr11:62,392,212, plus strand): 5'-CATCGTGGTTAGCAAAACAGGAGACTGGGTGGCAAAGTGGACCTCCACCTCCATGCCCTG[G>A]GCAGCCGCCAAGGACGGCAAGCTGCACTTCGGAATTGATCCTGACGATACTACTATCACC-3'

ClinVar aggregate classification (germline): Uncertain significance (1 of 4 stars; one submission).

gnomAD v4.1: 5 of 1,614,022 alleles (0.00031%); highest among the groups gnomAD compares: African/African-American, 0.0013%; no homozygotes.

Submission:

Labcorp Genetics (formerly Invitae), Labcorp
Classification: Uncertain significance. Last evaluated: 2025-05-13. Review status: criteria provided, single submitter. Criteria: Invitae Variant Classification Sherloc (09022015). Collection method: clinical testing. Allele origin: germline.
Comment: This sequence change creates a premature translational stop signal (p.Trp285*) in the ASRGL1 gene. While this is not anticipated to result in nonsense mediated decay, it is expected to disrupt the last 24 amino acid(s) of the ASRGL1 protein. This variant is not present in population databases (gnomAD no frequency). This variant has not been reported in the literature in individuals affected with ASRGL1-related conditions. Experimental studies and prediction algorithms are not available or were not evaluated, and the functional significance of this variant is currently unknown. In summary, the available evidence is currently insufficient to determine the role of this variant in disease. Therefore, it has been classified as a Variant of Uncertain Significance.